The following is an entry in ClinVar:

NM_000297.4(PKD2):c.1094+1G>C

Gene: PKD2 (polycystin 2, transient receptor potential cation channel; plus strand). Cytogenetic location: 4q22.1.
Variant type: single nucleotide variant.
Coding change: c.1094+1G>C on transcript NM_000297.4 (MANE Select); the canonical splice donor site of the intron after coding-DNA position 1094, G replaced by C.
Molecular consequence: splice donor variant.
Genome position (GRCh38, 1-based): chr4:88,038,502, G>C. VCF-style: chr4-88038502-G-C. GRCh37 (hg19) VCF-style: chr4-88959654-G-C.
Identifiers: ClinVar variation 997171 (VCV000997171.11), dbSNP rs58606740, ClinGen allele CA357633349.

ClinVar aggregate classification (germline): Pathogenic. Review status: criteria provided, multiple submitters, no conflicts (2 of 4 stars). 8 submissions from 8 submitters: Pathogenic (7). 1 of the submissions does not count toward it. Last evaluated 2026-02-25.

Conditions:
Cystic renal disease.
Polycystic kidney disease. Also called: Polycystic kidney dysplasia; Kidney, Polycystic. Identifiers: MedGen C0022680, MeSH D007690, MONDO:0020642, HP:0000113.
PKD2-related disorder. Also called: PKD2-related condition.
Polycystic kidney disease 2 (PKD2). Also called: POLYCYSTIC KIDNEY DISEASE, ADULT, TYPE II; POLYCYSTIC KIDNEY DISEASE 2 WITH OR WITHOUT POLYCYSTIC LIVER DISEASE; Polycystic Kidney Disease 2, Autosomal Dominant. Identifiers: MedGen C2751306, MONDO:0013131, OMIM 613095.

Submissions (8):

GeneDx
Classification: Pathogenic. Last evaluated: 2026-02-25. Review status: criteria provided, single submitter. Criteria: GeneDx Variant Classification Process June 2021. Collection method: clinical testing. Allele origin: germline.
Comment: Canonical splice site variant predicted to result in a null allele in a gene for which loss of function is a known mechanism of disease; Not observed at significant frequency in large population cohorts (gnomAD); This variant is associated with the following publications: (PMID: 33639313, 22185115)

Medical and Scientific Branch, Hong Kong Genome Institute
Classification: Pathogenic for Polycystic kidney disease 2. Last evaluated: 2026-01-26. Review status: criteria provided, single submitter. Criteria: ACMG Guidelines, 2015. Collection method: clinical testing. Allele origin: maternal. Affected: yes.

Genetics Laboratory, Great Ormond Street Hospital NHS Foundation Trust, North Thames Genomic Laboratory Hub
Classification: Pathogenic for Cystic renal disease. Last evaluated: 2025-10-21. Review status: criteria provided, single submitter. Criteria: ACGS Best Practice Guidelines for Variant Classification in Rare Disease 2024 v1.2. Collection method: clinical testing. Allele origin: germline. Affected: yes.
Comment: PS4_moderate, PM2_moderate, PVS1_very-strong

Victorian Clinical Genetics Services, Murdoch Childrens Research Institute
Classification: Pathogenic for Polycystic kidney disease 2. Last evaluated: 2025-09-08. Review status: criteria provided, single submitter. Criteria: ACMG Guidelines, 2015. Collection method: clinical testing. Allele origin: germline. Affected: yes.
Comment: This variant is classified as Pathogenic. Evidence in support of pathogenic classification: Canonical splice site variant without proven consequence on splicing (no functional evidence available); Variant is absent from gnomAD (v2, v3 and v4); This variant has moderate previous evidence of pathogenicity in unrelated individuals. It has been classified as pathogenic by clinical laboratories in ClinVar, and reported in the literature in at least one individual with ADPKD (PMID: 22185115); Other splice site variants, comparable to the one identified in this case, have strong previous evidence for pathogenicity. c.1094+1G>A has been classified as pathogenic/likely pathogenic by many clinical laboratories in ClinVar. Additionally, c.1094+1G>T has been classified as likely pathogenic by a clinical laboratory in ClinVar, and c.1094+2T>G has been reported in the literature in a family with polycystic kidney disease (PMID: 12707387); Abnormal splicing is predicted by in silico tool and affected nucleotide is highly conserved. Additional information: This variant is heterozygous; This gene is associated with autosomal dominant disease; Alternative nucleotide change(s) at the same canonical splice site are present in gnomAD (Highest allele count: v4: 3 heterozygote(s), 0 homozygote(s)); Loss of function is a known mechanism of disease in this gene and is associated with polycystic kidney disease 2 (MIM#613095); Inheritance information for this variant is not currently available in this individual.

Department of Clinical Genetics, Copenhagen University Hospital, Rigshospitalet
Classification: Pathogenic for Polycystic kidney disease 2. Last evaluated: 2025-05-05. Review status: criteria provided, single submitter. Criteria: ACMG Guidelines, 2015. Collection method: clinical testing. Allele origin: germline.
Comment: PVS1_VSt, PS4_mod

Blueprint Genetics
Classification: Pathogenic for PKD2-related disorders. Last evaluated: 2021-08-12. Review status: criteria provided, single submitter. Criteria: ACMG Guidelines, 2015. Collection method: clinical testing. Allele origin: germline. Affected: yes. Observed: 1 variant allele.

Juno Genomics, Hangzhou Juno Genomics, Inc
Classification: Pathogenic for Polycystic kidney disease 2. Review status: criteria provided, single submitter. Criteria: ACMG Guidelines, 2015. Collection method: clinical testing. Allele origin: germline.
Comment: Absent from controls (or at extremely low frequency if recessive) in Genome Aggregation Database.;Null variant in a gene where loss of function (LOF) is a known mechanism of disease.;Same amino acid change as a previously established pathogenic variant regardless of nucleotide change.;The prevalence of the variant in affected individuals is significantly increased compared to the prevalence in controls.;Patient's phenotype or family history is highly specific for a disease with a single genetic etiology.

Department of Pathology and Laboratory Medicine, Sinai Health System
Classification: Pathogenic for Polycystic Kidney disease. Review status: no assertion criteria provided. Collection method: clinical testing. Allele origin: unknown. Affected: yes. Observed: 1 variant allele. Study: The Canadian Open Genetics Repository (COGR). Not counted in ClinVar's aggregate classification.
Comment: The PKD2 c.1094+1G>C variant was identified in 1 of 130 proband chromosomes (frequency: 0.008) from individuals or families with ADPKD and was not identified in 200 control chromosomes from healthy individuals (Yu 2011). The variant was also identified in ADPKD Mutation Database (as â€šÃ„Ãºdefinitely pathogenicâ€šÃ„Ã¹). The variant was not identified in dbSNP, ClinVar, Clinvitae, COGR, LOVD 3.0, or PKD1-LOVD databases. The variant was not identified in the following control databases: the Exome Aggregation Consortium (August 8th 2016) or the Genome Aggregation Database (Feb 27, 2017). The c.1094+1G>C variant is predicted to cause abnormal splicing because the nucleotide substitution occurs in the invariant region of the splice consensus sequence. In addition, 3 of 4 in silico or computational prediction software programs (SpliceSiteFinder, MaxEntScan, NNSPLICE, GeneSplicer) predict a greater than 10% difference in splicing. In summary, based on the above information, this variant meets our laboratoryâ€šÃ„Ã´s criteria to be classified as pathogenic.

Literature cited by the submitters: PubMed 22185115 (cited by Victorian Clinical Genetics Services, Murdoch Childrens Research Institute); PubMed 12707387 (cited by Victorian Clinical Genetics Services, Murdoch Childrens Research Institute); PubMed 38527221 (cited by Department of Clinical Genetics, Copenhagen University Hospital, Rigshospitalet); PubMed 33454723 (cited by Department of Clinical Genetics, Copenhagen University Hospital, Rigshospitalet).